The following is an entry in ClinVar:

NM_001243133.2(NLRP3):c.2574C>T (p.Leu858=)

Gene: NLRP3 (NLR family pyrin domain containing 3; plus strand). Cytogenetic location: 1q44.
Variant type: single nucleotide variant.
Coding change: c.2574C>T on transcript NM_001243133.2 (MANE Select); coding-DNA position 2574, C replaced by T.
Protein change: p.Leu858=; no amino-acid change (leucine 858 retained).
Molecular consequence: synonymous variant. On other transcripts: intron variant (2).
Genome position (GRCh38, 1-based): chr1:247,436,051, C>T. VCF-style: chr1-247436051-C-T. GRCh37 (hg19) VCF-style: chr1-247599353-C-T.
Other names: c.2574C>T, p.Leu858= (NM_001079821.3); c.2403C>T, p.Leu801= (NM_001127462.3); c.2580C>T, p.Leu860= (NM_004895.5); c.2492+1778C>T (NM_001127461.3); c.2321+1778C>T (NM_183395.3).
Identifiers: ClinVar variation 1093784 (VCV001093784.23), dbSNP rs201263581, ClinGen allele CA1495298.

ClinVar aggregate classification (germline): Likely benign. Review status: criteria provided, multiple submitters, no conflicts (2 of 4 stars). 3 submissions from 3 submitters: Likely benign (3). Last evaluated 2025-01-01.

Conditions:
Cryopyrin associated periodic syndrome (CAPS). Identifiers: Orphanet 208650, MedGen C2316212, MONDO:0016168.

Allele frequency attached by ClinVar (database versions not stated): TOPMed below 0.00001; gnomAD 0.00003; ExAC 0.00005; gnomAD exomes 0.00005; 1000 Genomes Project 30x 0.00031; 1000 Genomes Project 0.00040.
gnomAD v4.1: 52 of 1,614,128 alleles (0.0032%); highest among the groups gnomAD compares: South Asian, 0.054%; no homozygotes.

Submissions (3):

CeGaT Center for Human Genetics Tuebingen
Classification: Likely benign. Last evaluated: 2025-01-01. Review status: criteria provided, single submitter. Criteria: CeGaT Center For Human Genetics Tuebingen Variant Classification Criteria Version 2. Collection method: clinical testing. Allele origin: germline. Affected: yes. Observed: 1 variant allele.
Comment: NLRP3: BP4, BP7

Labcorp Genetics (formerly Invitae), Labcorp
Classification: Likely benign for Cryopyrin associated periodic syndrome. Last evaluated: 2024-01-22. Review status: criteria provided, single submitter. Criteria: Invitae Variant Classification Sherloc (09022015). Collection method: clinical testing. Allele origin: germline.

Blueprint Genetics
Classification: Likely benign. Last evaluated: 2022-02-08. Review status: criteria provided, single submitter. Criteria: ACMG Guidelines, 2015. Collection method: clinical testing. Allele origin: germline.